The following is an entry in ClinVar:

NM_001375567.1(FOCAD):c.1874C>A (p.Pro625Gln)

Gene: FOCAD (focadhesin; plus strand). Cytogenetic location: 9p21.3.
Variant type: single nucleotide variant.
Coding change: c.1874C>A on transcript NM_001375567.1 (MANE Select); coding-DNA position 1874, C replaced by A.
Protein change: p.Pro625Gln; replaces proline 625 with glutamine.
Molecular consequence: missense variant.
Genome position (GRCh38, 1-based): chr9:20,823,069, C>A. VCF-style: chr9-20823069-C-A. GRCh37 (hg19) VCF-style: chr9-20823068-C-A.
Other names: c.1769C>A, p.Pro590Gln (NM_001375568.1, NM_001375570.1); c.1874C>A, p.Pro625Gln (NM_017794.5); short protein forms P590Q, P625Q.
Identifiers: ClinVar variation 3624277 (VCV003624277.2).

ClinVar aggregate classification (germline): Uncertain significance (1 of 4 stars; one submission).

gnomAD v4.1: 5 of 1,609,120 alleles (0.00031%); highest among the groups gnomAD compares: African/African-American, 0.0013%; no homozygotes.

Submission:

Labcorp Genetics (formerly Invitae), Labcorp
Classification: Uncertain significance. Last evaluated: 2025-03-19. Review status: criteria provided, single submitter. Criteria: Invitae Variant Classification Sherloc (09022015). Collection method: clinical testing. Allele origin: germline.
Comment: This sequence change replaces proline, which is neutral and non-polar, with glutamine, which is neutral and polar, at codon 625 of the FOCAD protein (p.Pro625Gln). This variant is present in population databases (rs145030053, gnomAD 0.002%). This variant has not been reported in the literature in individuals affected with FOCAD-related conditions. Experimental studies and prediction algorithms are not available or were not evaluated, and the functional significance of this variant is currently unknown. In summary, the available evidence is currently insufficient to determine the role of this variant in disease. Therefore, it has been classified as a Variant of Uncertain Significance.